The following is an entry in ClinVar:

NC_000003.11:g.(?_81691922)_(81699082_?)del

Gene: GBE1 (1,4-alpha-glucan branching enzyme 1; minus strand). Cytogenetic location: 3p12.2.
Variant type: Deletion.
Identifiers: ClinVar variation 1457168 (VCV001457168.4).

ClinVar aggregate classification (germline): Pathogenic (1 of 4 stars; one submission).

Conditions:
Glycogen storage disease IV, classic hepatic. Also called: GSD IV, CLASSIC HEPATIC. Identifiers: MedGen C1856301.
Glycogen storage disease, type IV (GSD4). Also called: Glycogen storage disease due to glycogen branching enzyme deficiency; AMYLOPECTINOSIS; ANDERSEN DISEASE; BRANCHER DEFICIENCY; CIRRHOSIS, FAMILIAL, WITH DEPOSITION OF ABNORMAL GLYCOGEN; GBE1 DEFICIENCY. Identifiers: Orphanet 367, MedGen C0017923, MONDO:0009292, OMIM 232500.

Submission:

Labcorp Genetics (formerly Invitae), Labcorp
Classification: Pathogenic for Glycogen storage disease, type IV; Glycogen storage disease IV, classic hepatic. Last evaluated: 2022-09-13. Review status: criteria provided, single submitter. Criteria: Invitae Variant Classification Sherloc (09022015). Collection method: clinical testing. Allele origin: germline.
Comment: This variant is a gross deletion of the genomic region encompassing exon(s) 4-7 of the GBE1 gene. This deletion is out-of-frame, and is expected to create a premature termination codon and result in an absent or disrupted protein product. Loss-of-function variants in GBE1 are known to be pathogenic (PMID: 15452297, 20058079). This variant has not been reported in the literature in individuals affected with GBE1-related conditions. For these reasons, this variant has been classified as Pathogenic.

Literature cited by the submitters: PubMed 15452297; PubMed 20058079.